The following is an entry in ClinVar:

NM_015294.6(TRIM37):c.*759T>C

Gene: TRIM37 (tripartite motif containing 37; minus strand). Cytogenetic location: 17q22.
Variant type: single nucleotide variant.
Coding change: c.*759T>C on transcript NM_015294.6 (MANE Select); 759 bases downstream of the stop codon, T replaced by C.
Molecular consequence: 3 prime UTR variant. On other transcripts: non-coding transcript variant (2), intron variant (2).
Genome position (GRCh38, 1-based): chr17:58,998,618, A>G on the plus strand (T>C on the coding strand, the complement: TRIM37 is on the minus strand). VCF-style: chr17-58998618-A-G. GRCh37 (hg19) VCF-style: chr17-57075979-A-G.
Other names: c.*759T>C (NM_001320987.3, NM_001320988.3, NM_001320990.3 and 5 more transcripts); c.2774+763T>C (NM_001320989.3); c.2891+763T>C (NM_001005207.5).
Identifiers: ClinVar variation 324180 (VCV000324180.6), dbSNP rs191702204, ClinGen allele CA10640071.
Genomic context (GRCh38, chr17:58,998,618, plus strand): 5'-GTGTTGACACTGAAATCAATGTACAACTAATGAAAATAAAGAAGAAAAGGGGGCTTTAAA[A>G]TATTTGTTGCACTACAGTCGTATAGTAAGAGGCAGAAAAAAATGAAAGAATTTTAAATAA-3'

ClinVar aggregate classification (germline): Likely benign. Review status: criteria provided, multiple submitters, no conflicts (2 of 4 stars). 2 submissions from 2 submitters: Likely benign (2). Last evaluated 2018-01-12.

Conditions:
Mulibrey nanism syndrome. Also called: MUSCLE-LIVER-BRAIN-EYE NANISM; PERHEENTUPA SYNDROME; PERICARDIAL CONSTRICTION AND GROWTH FAILURE. Identifiers: Orphanet 2576, MedGen C0524582, MONDO:0009664, OMIM 253250.

Allele frequency attached by ClinVar (database versions not stated): gnomAD exomes 0.00022; gnomAD 0.00313 and 0.00341; 1000 Genomes Project 0.00359; TOPMed 0.00371; 1000 Genomes Project 30x 0.00468.
gnomAD v4.1: 662 of 985,444 alleles (0.067%); highest among the groups gnomAD compares: African/African-American, 1%; 2 homozygotes.

Submissions (2):

Illumina Laboratory Services, Illumina
Classification: Likely benign for Mulibrey nanism syndrome. Last evaluated: 2018-01-12. Review status: criteria provided, single submitter. Criteria: ICSL Variant Classification Criteria 13 December 2019. Collection method: clinical testing. Allele origin: germline.
Comment: This variant was observed in the ICSL laboratory as part of a predisposition screen in an ostensibly healthy population. It had not been previously curated by ICSL or reported in the Human Gene Mutation Database (HGMD: prior to June 1st, 2018), and was therefore a candidate for classification through an automated scoring system. Utilizing variant allele frequency, disease prevalence and penetrance estimates, and inheritance mode, an automated score was calculated to assess if this variant is too frequent to cause the disease. Based on the score and internal cut-off values, a variant classified as likely benign is not then subjected to further curation. The score for this variant resulted in a classification of likely benign for this disease.

Breakthrough Genomics
Classification: Likely benign. Review status: criteria provided, single submitter. Criteria: ACMG Guidelines, 2015. Collection method: not provided. Allele origin: germline. Inheritance: Autosomal recessive inheritance. Affected: yes.